The following is an entry in ClinVar:

NM_022114.4(PRDM16):c.2276G>A (p.Arg759Gln)

Gene: PRDM16 (PR/SET domain 16; plus strand). Cytogenetic location: 1p36.32.
Variant type: single nucleotide variant.
Coding change: c.2276G>A on transcript NM_022114.4 (MANE Select); coding-DNA position 2276, G replaced by A.
Protein change: p.Arg759Gln; replaces arginine 759 with glutamine.
Molecular consequence: missense variant.
Genome position (GRCh38, 1-based): chr1:3,412,473, G>A. VCF-style: chr1-3412473-G-A. GRCh37 (hg19) VCF-style: chr1-3329037-G-A.
Other names: c.2276G>A, p.Arg759Gln (NM_199454.3); short protein forms R759Q.
Identifiers: ClinVar variation 840936 (VCV000840936.10), dbSNP rs762997591, ClinGen allele CA544432.
Genomic context (GRCh38, chr1:3,412,473, plus strand): 5'-CCTTCACGGACCGAGCCCTCGCCCACAACTTGCTGGTCAAGGCCGAGCCAAAGTCACCCC[G>A]GGACGCCCTCAAGGTGGGCGGCCCCAGTGCCGAGTGCCCCTTTGATCTCACCACCAAGCC-3'
Protein context (NP_071397.3, residues 749-769): LLVKAEPKSP[Arg759Gln]DALKVGGPSA

ClinVar aggregate classification (germline): Conflicting classifications of pathogenicity. Review status: criteria provided, conflicting classifications (1 of 4 stars). 3 submissions from 3 submitters: Uncertain significance (2); Likely benign (1). Last evaluated 2025-06-11.

Conditions:
Left ventricular noncompaction 8 (LVNC8). Identifiers: Orphanet 154, Orphanet 54260, MedGen C3809288, MONDO:0014152, OMIM 615373.

Allele frequency attached by ClinVar (database versions not stated): ExAC 0.00003; gnomAD 0.00003 and 0.00004; gnomAD exomes 0.00003; TOPMed 0.00003.
gnomAD v4.1: 83 of 1,612,704 alleles (0.0051%); highest among the groups gnomAD compares: South Asian, 0.015%; 1 homozygote.

Submissions (3):

Labcorp Genetics (formerly Invitae), Labcorp
Classification: Uncertain significance for Left ventricular noncompaction 8. Last evaluated: 2025-06-11. Review status: criteria provided, single submitter. Criteria: Invitae Variant Classification Sherloc (09022015). Collection method: clinical testing. Allele origin: germline.
Comment: This sequence change replaces arginine, which is basic and polar, with glutamine, which is neutral and polar, at codon 759 of the PRDM16 protein (p.Arg759Gln). This variant is present in population databases (rs762997591, gnomAD 0.01%). This variant has not been reported in the literature in individuals affected with PRDM16-related conditions. ClinVar contains an entry for this variant (Variation ID: 840936). An algorithm developed to predict the effect of missense changes on protein structure and function (PolyPhen-2) suggests that this variant is likely to be tolerated. In summary, the available evidence is currently insufficient to determine the role of this variant in disease. Therefore, it has been classified as a Variant of Uncertain Significance.

GeneDx
Classification: Uncertain significance. Last evaluated: 2024-12-09. Review status: criteria provided, single submitter. Criteria: GeneDx Variant Classification Process June 2021. Collection method: clinical testing. Allele origin: germline. Affected: yes.
Comment: In silico analysis indicates that this missense variant does not alter protein structure/function; This variant is associated with the following publications: (PMID: 31983221)

Blueprint Genetics
Classification: Likely benign. Last evaluated: 2023-10-25. Review status: criteria provided, single submitter. Criteria: ACMG Guidelines, 2015. Collection method: clinical testing. Allele origin: germline.